The following is an entry in ClinVar:

NM_001367624.2(ZNF469):c.726C>T (p.Ser242=)

Gene: ZNF469 (zinc finger protein 469; plus strand). Cytogenetic location: 16q24.2.
Variant type: single nucleotide variant.
Coding change: c.726C>T on transcript NM_001367624.2 (MANE Select); coding-DNA position 726, C replaced by T.
Protein change: p.Ser242=; no amino-acid change (serine 242 retained).
Molecular consequence: synonymous variant.
Genome position (GRCh38, 1-based): chr16:88,428,196, C>T. VCF-style: chr16-88428196-C-T. GRCh37 (hg19) VCF-style: chr16-88494604-C-T.
Other names: NM_001127464.2:c.726C>T; NM_001127464.1:c.726C>T; p.Ser242=.
Identifiers: ClinVar variation 1299792 (VCV001299792.44), dbSNP rs555256402, ClinGen allele CA8224617.

ClinVar aggregate classification (germline): Conflicting classifications of pathogenicity. Review status: criteria provided, conflicting classifications (1 of 4 stars). 8 submissions from 8 submitters: Uncertain significance (1); Likely benign (5). 2 of the submissions do not count toward it. Last evaluated 2026-02-01.

Conditions:
Ehlers-Danlos syndrome (EDS). Identifiers: Orphanet 98249, MedGen C0013720, MONDO:0020066.
Cardiovascular phenotype. Identifiers: MedGen CN230736.

Allele frequency attached by ClinVar (database versions not stated): 1000 Genomes Project 30x 0.00078; 1000 Genomes Project 0.00080; gnomAD 0.00135 and 0.00137; TOPMed 0.00148; gnomAD exomes 0.00165 and 0.00196; ExAC 0.00232.
gnomAD v4.1: 2,996 of 1,550,298 alleles (0.19%); highest among the groups gnomAD compares: Middle Eastern, 0.35%; 6 homozygotes.

Submissions (8):

CeGaT Center for Human Genetics Tuebingen
Classification: Likely benign. Last evaluated: 2026-02-01. Review status: criteria provided, single submitter. Criteria: CeGaT Center For Human Genetics Tuebingen Variant Classification Criteria Version 2. Collection method: clinical testing. Allele origin: germline. Affected: yes. Observed: 5 variant alleles.
Comment: ZNF469: BP4, BP7

Mayo Clinic Laboratories, Mayo Clinic
Classification: Likely benign. Last evaluated: 2025-09-19. Review status: criteria provided, single submitter. Criteria: ACMG Guidelines, 2015. Collection method: clinical testing. Allele origin: germline. Observed: 4 variant alleles.
Comment: BS1, BP4, BP7

Blueprint Genetics
Classification: Likely benign. Last evaluated: 2024-11-26. Review status: criteria provided, single submitter. Criteria: ACMG Guidelines, 2015. Collection method: clinical testing. Allele origin: germline.

Genome Diagnostics Laboratory, The Hospital for Sick Children
Classification: Uncertain significance for Ehlers-Danlos syndrome. Last evaluated: 2022-04-08. Review status: criteria provided, single submitter. Criteria: ACMG Guidelines, 2015. Collection method: clinical testing. Allele origin: germline.

Ambry Genetics
Classification: Likely benign for Cardiovascular phenotype. Last evaluated: 2018-12-27. Review status: criteria provided, single submitter. Criteria: Ambry Variant Classification Scheme 2023. Collection method: clinical testing. Allele origin: germline.

Breakthrough Genomics
Classification: Likely benign. Review status: criteria provided, single submitter. Criteria: ACMG Guidelines, 2015. Collection method: not provided. Allele origin: germline. Inheritance: Autosomal recessive inheritance. Affected: yes.

Clinical Genetics DNA and cytogenetics Diagnostics Lab, Erasmus MC, Erasmus Medical Center
Classification: Likely benign. Review status: no assertion criteria provided. Collection method: clinical testing. Allele origin: germline. Affected: yes. Study: VKGL Data-share Consensus. Not counted in ClinVar's aggregate classification.

Genome Diagnostics Laboratory, Amsterdam University Medical Center
Classification: Likely benign. Review status: no assertion criteria provided. Collection method: clinical testing. Allele origin: germline. Affected: yes. Study: VKGL Data-share Consensus. Not counted in ClinVar's aggregate classification.